The following is an entry in ClinVar:

ClinVar aggregate classification (germline): Conflicting classifications of pathogenicity. Review status: criteria provided, conflicting classifications (1 of 4 stars). 9 submissions from 9 submitters: Uncertain significance (2); Benign (1); Likely benign (4). 2 of the submissions do not count toward it. Last evaluated 2026-01-24.

Conditions:
Fraser syndrome 1 (FRASRS1). Also called: CRYPTOPHTHALMOS WITH OTHER MALFORMATIONS. Identifiers: Orphanet 2052, MedGen C4551480, MONDO:0054737, OMIM 219000.

Allele frequency attached by ClinVar (database versions not stated): 1000 Genomes Project 30x 0.00016; 1000 Genomes Project 0.00020; TOPMed 0.00045; ExAC 0.00064; gnomAD exomes 0.00064; gnomAD 0.00085 and 0.00088; ESP Exome Variant Server 0.00091.
gnomAD v4.1: 917 of 1,613,694 alleles (0.057%); highest among the groups gnomAD compares: Non-Finnish European, 0.063%; 4 homozygotes.

Submissions (9):

Labcorp Genetics (formerly Invitae), Labcorp
Classification: Likely benign. Last evaluated: 2026-01-24. Review status: criteria provided, single submitter. Criteria: Invitae Variant Classification Sherloc (09022015). Collection method: clinical testing. Allele origin: germline.

CeGaT Center for Human Genetics Tuebingen
Classification: Likely benign. Last evaluated: 2026-01-01. Review status: criteria provided, single submitter. Criteria: CeGaT Center For Human Genetics Tuebingen Variant Classification Criteria Version 2. Collection method: clinical testing. Allele origin: germline. Affected: yes. Observed: 1 variant allele.
Comment: FRAS1: BP4, BP7

Mayo Clinic Laboratories, Mayo Clinic
Classification: Likely benign. Last evaluated: 2025-08-22. Review status: criteria provided, single submitter. Criteria: ACMG Guidelines, 2015. Collection method: clinical testing. Allele origin: germline. Observed: 1 variant allele.
Comment: BP4, BP7

Laboratory of Genetics, Children's Clinical University Hospital Latvia
Classification: Benign. Last evaluated: 2025-02-16. Review status: criteria provided, single submitter. Criteria: ACMG Guidelines, 2015. Collection method: clinical testing. Allele origin: germline. Affected: yes.

Blueprint Genetics
Classification: Likely benign. Last evaluated: 2024-11-20. Review status: criteria provided, single submitter. Criteria: ACMG Guidelines, 2015. Collection method: clinical testing. Allele origin: germline.

Illumina Laboratory Services, Illumina
Classification: Uncertain significance for Fraser syndrome 1. Last evaluated: 2018-01-12. Review status: criteria provided, single submitter. Criteria: ICSL Variant Classification Criteria 13 December 2019. Collection method: clinical testing. Allele origin: germline.

Genetic Services Laboratory, University of Chicago
Classification: Uncertain significance. Last evaluated: 2016-07-22. Review status: criteria provided, single submitter. Criteria: ACMG Guidelines, 2015. Collection method: clinical testing. Allele origin: germline. Affected: no.

Clinical Genetics DNA and cytogenetics Diagnostics Lab, Erasmus MC, Erasmus Medical Center
Classification: Likely benign. Review status: no assertion criteria provided. Collection method: clinical testing. Allele origin: germline. Affected: yes. Study: VKGL Data-share Consensus. Not counted in ClinVar's aggregate classification.

Genome Diagnostics Laboratory, University Medical Center Utrecht
Classification: Likely benign. Review status: no assertion criteria provided. Collection method: clinical testing. Allele origin: germline. Affected: yes. Study: VKGL Data-share Consensus. Not counted in ClinVar's aggregate classification.

NM_025074.7(FRAS1):c.4095C>T (p.Ile1365=)

Gene: FRAS1 (Fraser extracellular matrix complex subunit 1; plus strand). Cytogenetic location: 4q21.21.
Variant type: single nucleotide variant.
Coding change: c.4095C>T on transcript NM_025074.7 (MANE Select); coding-DNA position 4095, C replaced by T.
Protein change: p.Ile1365=; no amino-acid change (isoleucine 1365 retained).
Molecular consequence: synonymous variant.
Genome position (GRCh38, 1-based): chr4:78,400,853, C>T. VCF-style: chr4-78400853-C-T. GRCh37 (hg19) VCF-style: chr4-79322007-C-T.
Other names: p.Ile1365=; c.4095C>T, p.Ile1365= (NM_001166133.2).
Identifiers: ClinVar variation 435257 (VCV000435257.27), dbSNP rs79869130, ClinGen allele CA2977089.
Genomic context (GRCh38, chr4:78,400,853, plus strand): 5'-GCTGCAGATCACCAACAGAATCTTACAGGCCGAGGCTCCTGGTGCCAGTGCTGAAGAAAT[C>T]ATCTACAAGATTACACAAGACTACCCCCAGTTTGGTAACTATTTTTTCCTTTGGCGTGGT-3'
Protein context (NP_079350.5, residues 1355-1375): AEAPGASAEE[Ile1365=]IYKITQDYPQ